The following is an entry in ClinVar:

NM_001852.4(COL9A2):c.995A>C (p.His332Pro)

Gene: COL9A2 (collagen type IX alpha 2 chain; minus strand). Cytogenetic location: 1p34.2.
Variant type: single nucleotide variant.
Coding change: c.995A>C on transcript NM_001852.4 (MANE Select); coding-DNA position 995, A replaced by C.
Protein change: p.His332Pro; replaces histidine 332 with proline.
Molecular consequence: missense variant.
Genome position (GRCh38, 1-based): chr1:40,307,459, T>G on the plus strand (A>C on the coding strand, the complement: COL9A2 is on the minus strand). VCF-style: chr1-40307459-T-G. GRCh37 (hg19) VCF-style: chr1-40773131-T-G.
Other names: short protein forms H332P.
Identifiers: ClinVar variation 2767214 (VCV002767214.3), dbSNP rs555032997, ClinGen allele CA21041664.
Genomic context (GRCh38, chr1:40,307,459, plus strand): 5'-CAGCCACTAGCCCCTGGCCAGCCCCTGTGGCTCCACCTGACACTTACCGCTAGGCCCTGG[T>G]GGCCTGGACTTCCGGGCTGTCCCGCCTGTCCTGCACTGCCCTGGGATAGACAGATAACCA-3'
Protein context (NP_001843.1, residues 322-342): GQAGQPGSPG[His332Pro]QGLAGVPGQP

ClinVar aggregate classification (germline): Uncertain significance (1 of 4 stars; one submission).

Allele frequency attached by ClinVar (database versions not stated): 1000 Genomes Project 30x 0.00016; gnomAD 0.00001; TOPMed below 0.00001; 1000 Genomes Project 0.00020.
gnomAD v4.1: 3 of 1,614,092 alleles (0.00019%); highest among the groups gnomAD compares: East Asian, 0.0022%; no homozygotes.

Submission:

Labcorp Genetics (formerly Invitae), Labcorp
Classification: Uncertain significance. Last evaluated: 2025-02-03. Review status: criteria provided, single submitter. Criteria: Invitae Variant Classification Sherloc (09022015). Collection method: clinical testing. Allele origin: germline.
Comment: This sequence change replaces histidine, which is basic and polar, with proline, which is neutral and non-polar, at codon 332 of the COL9A2 protein (p.His332Pro). This variant is not present in population databases (gnomAD no frequency). This variant has not been reported in the literature in individuals affected with COL9A2-related conditions. ClinVar contains an entry for this variant (Variation ID: 2767214). Invitae Evidence Modeling of protein sequence and biophysical properties (such as structural, functional, and spatial information, amino acid conservation, physicochemical variation, residue mobility, and thermodynamic stability) indicates that this missense variant is not expected to disrupt COL9A2 protein function with a negative predictive value of 95%. In summary, the available evidence is currently insufficient to determine the role of this variant in disease. Therefore, it has been classified as a Variant of Uncertain Significance.